The following is an entry in ClinVar:

ClinVar aggregate classification (germline): other (0 of 4 stars; one submission).

Conditions:
Familial colorectal cancer. Identifiers: MedGen CN280943, MONDO:0023113. Disease mechanism: loss of function.

Submission:

Systems Biology Platform Zhejiang California International NanoSystems Institute
Classification: other for Familial colorectal cancer. Review status: no assertion criteria provided. Collection method: not provided. Allele origin: unknown.
ClinVar note: Converted during submission from cancer to other.

NC_000005.10:g.112851090T>C

Variant type: single nucleotide variant.
Genome position: GRCh38 VCF-style: chr5-112851090-T-C. GRCh37 (hg19) VCF-style: chr5-112186787-T-C.
Identifiers: ClinVar variation 82684 (VCV000082684.3), dbSNP rs77267811, ClinGen allele CA250824.